The following is an entry in ClinVar:

NM_001283009.2(RTEL1):c.3446A>C (p.Gln1149Pro)

Genes: RTEL1 (regulator of telomere elongation helicase 1; plus strand), RTEL1-TNFRSF6B (RTEL1-TNFRSF6B readthrough (NMD candidate); plus strand). Cytogenetic location: 20q13.33.
Variant type: single nucleotide variant.
Coding change: c.3446A>C on transcript NM_001283009.2 (MANE Select); coding-DNA position 3446, A replaced by C.
Protein change: p.Gln1149Pro; replaces glutamine 1149 with proline.
Molecular consequence: missense variant. On other transcripts: non-coding transcript variant (1).
Genome position (GRCh38, 1-based): chr20:63,695,168, A>C. VCF-style: chr20-63695168-A-C. GRCh37 (hg19) VCF-style: chr20-62326521-A-C.
Other names: c.2777A>C, p.Gln926Pro (NM_001283010.1); c.3446A>C, p.Gln1149Pro (NM_016434.4); c.3518A>C, p.Gln1173Pro (NM_032957.5); short protein forms Q926P, Q1149P, Q1173P.
Identifiers: ClinVar variation 1966449 (VCV001966449.6), dbSNP rs2517201038, ClinGen allele CA409685440.

ClinVar aggregate classification (germline): Uncertain significance. Review status: criteria provided, multiple submitters, no conflicts (2 of 4 stars). 2 submissions from 2 submitters: Uncertain significance (2). Last evaluated 2025-02-04.

Conditions:
Dyskeratosis congenita, autosomal recessive 5 (DKCB5). Identifiers: MedGen C3554656, MONDO:0014076, OMIM 615190.
Pulmonary fibrosis and/or bone marrow failure, Telomere-related, 3. Also called: PULMONARY FIBROSIS AND/OR BONE MARROW FAILURE SYNDROME, TELOMERE-RELATED, 3. Identifiers: Orphanet 2032, MedGen C4225346, MONDO:0014613, OMIM 616373.
Inborn genetic diseases. Identifiers: MedGen C0950123, MeSH D030342.

Submissions (2):

Ambry Genetics
Classification: Uncertain significance for Inborn genetic diseases. Last evaluated: 2025-02-04. Review status: criteria provided, single submitter. Criteria: Ambry Variant Classification Scheme 2023. Collection method: clinical testing. Allele origin: germline.
Comment: The p.Q1149P variant (also known as c.3446A>C), located in coding exon 32 of the RTEL1 gene, results from an A to C substitution at nucleotide position 3446. The glutamine at codon 1149 is replaced by proline, an amino acid with similar properties. This amino acid position is conserved. In addition, this alteration is predicted to be tolerated by in silico analysis. Based on the available evidence, the clinical significance of this variant remains unclear.

Labcorp Genetics (formerly Invitae), Labcorp
Classification: Uncertain significance for Dyskeratosis congenita, autosomal recessive 5; Pulmonary fibrosis and/or bone marrow failure, Telomere-related, 3. Last evaluated: 2022-06-01. Review status: criteria provided, single submitter. Criteria: Invitae Variant Classification Sherloc (09022015). Collection method: clinical testing. Allele origin: germline.
Comment: This sequence change replaces glutamine, which is neutral and polar, with proline, which is neutral and non-polar, at codon 1149 of the RTEL1 protein (p.Gln1149Pro). This variant is not present in population databases (gnomAD no frequency). This variant has not been reported in the literature in individuals affected with RTEL1-related conditions. Algorithms developed to predict the effect of missense changes on protein structure and function output the following: SIFT: "Tolerated"; PolyPhen-2: "Benign"; Align-GVGD: "Class C0". The proline amino acid residue is found in multiple mammalian species, which suggests that this missense change does not adversely affect protein function. In summary, the available evidence is currently insufficient to determine the role of this variant in disease. Therefore, it has been classified as a Variant of Uncertain Significance.